The following is an entry in ClinVar:

ClinVar aggregate classification (germline): Uncertain significance (1 of 4 stars; one submission).

Submission:

Dasa
Classification: Uncertain significance. Last evaluated: 2025-10-07. Review status: criteria provided, single submitter. Criteria: DASA Assertion Criteria. Collection method: clinical testing. Allele origin: germline.
Comment: NM_003458.4(BSN):c.1621G>C (p.Val541Leu) is a missense variant that results in the substitution of valine with leucine. This variant is absent from population databases. Computational prediction algorithms are consistent with a benign effect. The currently available literature and clinical evidence are not sufficient to establish a definitive association between this variant and the reported condition. Therefore, this variant is classified as a variant of uncertain significance.

NM_003458.4(BSN):c.1621G>C (p.Val541Leu)

Gene: BSN (bassoon presynaptic cytomatrix protein; plus strand). Cytogenetic location: 3p21.31.
Variant type: single nucleotide variant.
Coding change: c.1621G>C on transcript NM_003458.4 (MANE Select); coding-DNA position 1621, G replaced by C.
Protein change: p.Val541Leu; replaces valine 541 with leucine.
Molecular consequence: missense variant.
Genome position (GRCh38, 1-based): chr3:49,650,714, G>C. VCF-style: chr3-49650714-G-C. GRCh37 (hg19) VCF-style: chr3-49688147-G-C.
Other names: short protein forms V541L.
Identifiers: ClinVar variation 4885403 (VCV004885403.2).